The following is an entry in ClinVar:

NC_000012.11:g.(?_124109314)_(124109429_?)del

Gene: EIF2B1 (eukaryotic translation initiation factor 2B subunit alpha; minus strand). Cytogenetic location: 12q24.31.
Variant type: Deletion.
Identifiers: ClinVar variation 3244370 (VCV003244370.1).

ClinVar aggregate classification (germline): Pathogenic (1 of 4 stars; one submission).

Submission:

Labcorp Genetics (formerly Invitae), Labcorp
Classification: Pathogenic. Last evaluated: 2023-06-20. Review status: criteria provided, single submitter. Criteria: Invitae Variant Classification Sherloc (09022015). Collection method: clinical testing. Allele origin: unknown.
Comment: For these reasons, this variant has been classified as Pathogenic. This variant has not been reported in the literature in individuals affected with EIF2B1-related conditions. This variant is a gross deletion of the genomic region encompassing exon(s) 7 of the EIF2B1 gene. This deletion is out-of-frame, and is expected to create a premature termination codon and result in an absent or disrupted protein product. Loss-of-function variants in EIF2B1 are known to be pathogenic (PMID: 11835386, 32865661).

Literature cited by the submitters: PubMed 11835386; PubMed 32865661.